The following is an entry in ClinVar:

NM_006231.4(POLE):c.5552+1G>A

Gene: POLE (DNA polymerase epsilon, catalytic subunit; minus strand). Cytogenetic location: 12q24.33.
Variant type: single nucleotide variant.
Coding change: c.5552+1G>A on transcript NM_006231.4 (MANE Select); the canonical splice donor site of the intron after coding-DNA position 5552, G replaced by A.
Molecular consequence: splice donor variant.
Genome position (GRCh38, 1-based): chr12:132,639,124, C>T on the plus strand (G>A on the coding strand, the complement: POLE is on the minus strand). VCF-style: chr12-132639124-C-T. GRCh37 (hg19) VCF-style: chr12-133215710-C-T.
Identifiers: ClinVar variation 517228 (VCV000517228.16), dbSNP rs1555221894, ClinGen allele CA387374523.

ClinVar aggregate classification (germline): Conflicting classifications of pathogenicity. Review status: criteria provided, conflicting classifications (1 of 4 stars). 3 submissions from 3 submitters: Likely pathogenic (1); Uncertain significance (2). Last evaluated 2025-11-02.

Conditions:
Hereditary cancer-predisposing syndrome. Also called: Tumor predisposition; Hereditary neoplastic syndrome; Neoplastic Syndromes, Hereditary; Hereditary Cancer Syndrome. Identifiers: Orphanet 140162, MedGen C0027672, MeSH D009386, MONDO:0015356.

Allele frequency attached by ClinVar (database versions not stated): gnomAD exomes below 0.00001.
gnomAD v4.1: 1 of 1,613,992 alleles (0.000062%); highest among the groups gnomAD compares: East Asian, 0.0022%; no homozygotes.

Submissions (3):

Labcorp Genetics (formerly Invitae), Labcorp
Classification: Likely pathogenic. Last evaluated: 2025-11-02. Review status: criteria provided, single submitter. Criteria: Invitae Variant Classification Sherloc (09022015). Collection method: clinical testing. Allele origin: germline.
Comment: This sequence change affects a donor splice site in intron 40 of the POLE gene. It is expected to disrupt RNA splicing. Variants that disrupt the donor or acceptor splice site typically lead to a loss of protein function (PMID: 16199547), and loss-of-function variants in POLE are known to be pathogenic (PMID: 23230001, 25948378, 30503519). This variant is not present in population databases (gnomAD no frequency). This variant has not been reported in the literature in individuals affected with POLE-related conditions. ClinVar contains an entry for this variant (Variation ID: 517228). Studies have shown that disruption of this splice site is associated with inconclusive levels of altered splicing (internal data). In summary, the currently available evidence indicates that the variant is pathogenic, but additional data are needed to prove that conclusively. Therefore, this variant has been classified as Likely Pathogenic.

Ambry Genetics
Classification: Uncertain significance for Hereditary cancer-predisposing syndrome. Last evaluated: 2025-01-17. Review status: criteria provided, single submitter. Criteria: Ambry Variant Classification Scheme 2023. Collection method: clinical testing. Allele origin: germline.
Comment: The c.5552+1G>A intronic variant results from a G to A substitution one nucleotide after coding exon 40 of the POLE gene. Alterations that disrupt the canonical splice site are expected to cause aberrant splicing, resulting in an abnormal protein or a transcript that is subject to nonsense-mediated mRNA decay. This nucleotide position is highly conserved in available vertebrate species. In silico splice site analysis predicts that this alteration will weaken the native splice donor site resulting in a transcript predicted to lead to a protein with an in-frame deletion of 58 amino acids; however, the exact functional impact of the deleted amino acids is unknown at this time (Ambry internal data). Based on the available evidence, the clinical significance of this variant remains unclear.

Laboratory for Molecular Medicine, Mass General Brigham Personalized Medicine
Classification: Uncertain significance. Last evaluated: 2017-03-09. Review status: criteria provided, single submitter. Criteria: LMM Criteria. Collection method: clinical testing. Allele origin: germline. Observed: 1 variant allele.
Comment: The c.5552+1G>A variant in POLE has not been previously reported in individuals with colorectal cancer and was absent from large population studies. This varian t occurs in the invariant region (+/- 1,2) of the splice consensus sequence and is predicted to cause altered splicing leading to an abnormal or absent protein. Although this variant is expected to severely impact the protein, the spectrum of disease-causing variants is not well defined for POLE (to date, the majority of variants reported in patients with colorectal cancer represent missense chang es). In summary, the clinical significance of the c.5552+1G>A variant is uncerta in.

Literature cited by the submitters: PubMed 16199547 (cited by Labcorp Genetics (formerly Invitae), Labcorp); PubMed 23230001 (cited by Labcorp Genetics (formerly Invitae), Labcorp); PubMed 25948378 (cited by Labcorp Genetics (formerly Invitae), Labcorp); PubMed 30503519 (cited by Labcorp Genetics (formerly Invitae), Labcorp).